The following is an entry in ClinVar:

NM_024675.4(PALB2):c.2961dup (p.Gln988fs)

Gene: PALB2 (partner and localizer of BRCA2; minus strand). Cytogenetic location: 16p12.2.
Variant type: Duplication.
Coding change: c.2961dup on transcript NM_024675.4 (MANE Select); coding-DNA position 2961, one base duplicated (A; older notation c.2961dupA).
Protein change: p.Gln988fs; shifts the reading frame from glutamine 988.
Molecular consequence: frameshift variant.
Genome position (GRCh38, 1-based): chr16:23,623,004, T duplicated on the plus strand (A on the coding strand, the reverse complement: PALB2 is on the minus strand); the first of 2 consecutive T bases (chr16:23,623,004-23,623,005); duplicating either gives the same sequence. VCF-style (leftmost placement, unchanged base first): chr16-23623003-G-GT. GRCh37 (hg19) VCF-style: chr16-23634324-G-GT.
Other names: c.2961dupA (NM_024675.3); short protein forms Q988fs.
Identifiers: ClinVar variation 245892 (VCV000245892.2), dbSNP rs879253986, ClinGen allele CA10584508.
Genomic context (GRCh38, chr16:23,623,003, plus strand): 5'-TAAAAATCAATCAATGCTTTTCTTACCCTCCATCTTCTGCAAACGTCATGACTTCTACTT[G>GT]TTGATCAGAAAGGGTCCCACTGCTACTAACTAGCCTCCTCTTTGTCAGGCCAAGCACAGC-3'

ClinVar aggregate classification (germline): Pathogenic (1 of 4 stars; one submission).

Submission:

GeneDx
Classification: Pathogenic. Last evaluated: 2015-08-20. Review status: criteria provided, single submitter. Criteria: GeneDx Variant Classification (06012015). Collection method: clinical testing. Allele origin: germline. Affected: yes.
Comment: This duplication of one nucleotide in PALB2 is denoted c.2961dupA at the cDNA level and p.Gln988ThrfsX23 (Q988TfsX23) at the protein level. The normal sequence, with the base that is duplicated in braces, is ATCAA[A]CAAG. The duplication causes a frameshift, which changes a Glutamine to a Threonine at codon 988, and creates a premature stop codon at position 23 of the new reading frame. Although this variant has not, to our knowledge, been reported in the literature, it is predicted to cause loss of normal protein function through either protein truncation or nonsense-mediated mRNA decay. We consider this variant to be pathogenic.